The following is an entry in ClinVar:

ClinVar aggregate classification (germline): Uncertain significance (1 of 4 stars; one submission).

Conditions:
Familial cancer of breast. Also called: Hereditary breast cancer; hereditary breast carcinoma; BREAST CANCER, FAMILIAL. Identifiers: Orphanet 227535, MedGen C0346153, MONDO:0016419, OMIM 114480. Disease mechanism: loss of function.

Submission:

Labcorp Genetics (formerly Invitae), Labcorp
Classification: Uncertain significance for Familial cancer of breast. Last evaluated: 2025-07-09. Review status: criteria provided, single submitter. Criteria: Invitae Variant Classification Sherloc (09022015). Collection method: clinical testing. Allele origin: germline.
Comment: This sequence change replaces aspartic acid, which is acidic and polar, with tyrosine, which is neutral and polar, at codon 446 of the PALB2 protein (p.Asp446Tyr). This variant is not present in population databases (gnomAD no frequency). This variant has not been reported in the literature in individuals affected with PALB2-related conditions. Invitae Evidence Modeling of protein sequence and biophysical properties (such as structural, functional, and spatial information, amino acid conservation, physicochemical variation, residue mobility, and thermodynamic stability) indicates that this missense variant is not expected to disrupt PALB2 protein function with a negative predictive value of 80%. In summary, the available evidence is currently insufficient to determine the role of this variant in disease. Therefore, it has been classified as a Variant of Uncertain Significance.

NM_024675.4(PALB2):c.1336G>T (p.Asp446Tyr)

Gene: PALB2 (partner and localizer of BRCA2; minus strand). Cytogenetic location: 16p12.2.
Variant type: single nucleotide variant.
Coding change: c.1336G>T on transcript NM_024675.4 (MANE Select); coding-DNA position 1336, G replaced by T.
Protein change: p.Asp446Tyr; replaces aspartic acid 446 with tyrosine.
Molecular consequence: missense variant. On other transcripts: intron variant (3).
Genome position (GRCh38, 1-based): chr16:23,635,210, C>A on the plus strand (G>T on the coding strand, the complement: PALB2 is on the minus strand). VCF-style: chr16-23635210-C-A. GRCh37 (hg19) VCF-style: chr16-23646531-C-A.
Other names: c.1276G>T, p.Asp426Tyr (NM_001407296.1); c.1336G>T, p.Asp446Tyr (NM_001407297.1, NM_001407298.1, NM_001407299.1 and 3 more transcripts); c.451G>T, p.Asp151Tyr (NM_001407304.1, NM_001407305.1, NM_001407306.1 and 5 more transcripts); c.48+5900G>T (NM_001407314.1); c.-104-4741G>T (NM_001407313.1, NM_001407312.1); short protein forms D426Y, D151Y, D446Y.
Identifiers: ClinVar variation 4746107 (VCV004746107.1).